The following is an entry in ClinVar:

NM_006393.3(NEBL):c.1442C>A (p.Ala481Glu)

Gene: NEBL (nebulette; minus strand). Cytogenetic location: 10p12.31.
Variant type: single nucleotide variant.
Coding change: c.1442C>A on transcript NM_006393.3 (MANE Select); coding-DNA position 1442, C replaced by A.
Protein change: p.Ala481Glu; replaces alanine 481 with glutamic acid.
Molecular consequence: missense variant. On other transcripts: intron variant (9).
Genome position (GRCh38, 1-based): chr10:20,835,520, G>T on the plus strand (C>A on the coding strand, the complement: NEBL is on the minus strand). VCF-style: chr10-20835520-G-T. GRCh37 (hg19) VCF-style: chr10-21124449-G-T.
Other names: c.250-22580C>A (NM_001377326.1, NM_001377327.1, NM_001377328.1); c.358-22580C>A (NM_213569.2, NM_001173484.2, NM_001377322.1); c.301-22580C>A (NM_001377324.1); c.292-22580C>A (NM_001377325.1); c.310-22580C>A (NM_001377323.1); short protein forms A481E.
Identifiers: ClinVar variation 1772725 (VCV001772725.2), dbSNP rs1237891829, ClinGen allele CA376098179.

ClinVar aggregate classification (germline): Uncertain significance (1 of 4 stars; one submission).

gnomAD v4.1: 1 of 1,609,234 alleles (0.000062%); no homozygotes.

Submission:

Ambry Genetics
Classification: Uncertain significance. Last evaluated: 2022-01-17. Review status: criteria provided, single submitter. Criteria: Ambry Variant Classification Scheme 2023. Collection method: clinical testing. Allele origin: germline.
Comment: The p.A481E variant (also known as c.1442C>A), located in coding exon 14 of the NEBL gene, results from a C to A substitution at nucleotide position 1442. The alanine at codon 481 is replaced by glutamic acid, an amino acid with dissimilar properties. This amino acid position is conserved. In addition, this alteration is predicted to be tolerated by in silico analysis. Since supporting evidence is limited at this time, the clinical significance of this alteration remains unclear.